The following is an entry in ClinVar:

ClinVar aggregate classification (germline): Uncertain significance. Review status: criteria provided, multiple submitters, no conflicts (2 of 4 stars). 2 submissions from 2 submitters: Uncertain significance (2). Last evaluated 2025-10-03.

Conditions:
Familial cancer of breast. Also called: hereditary breast carcinoma; BREAST CANCER, FAMILIAL; Hereditary breast cancer. Identifiers: Orphanet 227535, MedGen C0346153, MONDO:0016419, OMIM 114480. Disease mechanism: loss of function.
Fanconi anemia complementation group J. Also called: BRIP1-Related Fanconi Anemia. Identifiers: Orphanet 84, MedGen C1836860, MONDO:0012187, OMIM 609054.
Hereditary cancer-predisposing syndrome. Also called: Tumor predisposition; Neoplastic Syndromes, Hereditary; Hereditary Cancer Syndrome; Hereditary neoplastic syndrome. Identifiers: Orphanet 140162, MedGen C0027672, MeSH D009386, MONDO:0015356.

Allele frequency attached by ClinVar (database versions not stated): gnomAD exomes below 0.00001.
gnomAD v4.1: 1 of 1,614,012 alleles (0.000062%); highest among the groups gnomAD compares: Non-Finnish European, 0.000085%; no homozygotes.

Submissions (2):

Ambry Genetics
Classification: Uncertain significance for Hereditary cancer-predisposing syndrome. Last evaluated: 2025-10-03. Review status: criteria provided, single submitter. Criteria: Ambry Variant Classification Scheme 2023. Collection method: clinical testing. Allele origin: germline.
Comment: The p.T650I variant (also known as c.1949C>T), located in coding exon 13 of the BRIP1 gene, results from a C to T substitution at nucleotide position 1949. The threonine at codon 650 is replaced by isoleucine, an amino acid with similar properties. This amino acid position is highly conserved in available vertebrate species. In addition, this alteration is predicted to be deleterious by in silico analysis. Based on the available evidence, the clinical significance of this variant remains unclear.

Labcorp Genetics (formerly Invitae), Labcorp
Classification: Uncertain significance for Familial cancer of breast; Fanconi anemia complementation group J. Last evaluated: 2018-02-02. Review status: criteria provided, single submitter. Criteria: Invitae Variant Classification Sherloc (09022015). Collection method: clinical testing. Allele origin: germline.
Comment: This variant has not been reported in the literature in individuals with BRIP1-related disease. Algorithms developed to predict the effect of missense changes on protein structure and function do not agree on the potential impact of this missense change (SIFT: "Tolerated"; PolyPhen-2: "Probably Damaging"; Align-GVGD: "Class C0"). In summary, the available evidence is currently insufficient to determine the role of this variant in disease. Therefore, it has been classified as a Variant of Uncertain Significance. This sequence change replaces threonine with isoleucine at codon 650 of the BRIP1 protein (p.Thr650Ile). The threonine residue is highly conserved and there is a moderate physicochemical difference between threonine and isoleucine. This variant is not present in population databases (ExAC no frequency).

NM_032043.3(BRIP1):c.1949C>T (p.Thr650Ile)

Gene: BRIP1 (BRCA1 interacting DNA helicase 1; minus strand). Cytogenetic location: 17q23.2.
Variant type: single nucleotide variant.
Coding change: c.1949C>T on transcript NM_032043.3 (MANE Select); coding-DNA position 1949, C replaced by T.
Protein change: p.Thr650Ile; replaces threonine 650 with isoleucine.
Molecular consequence: missense variant.
Genome position (GRCh38, 1-based): chr17:61,776,549, G>A on the plus strand (C>T on the coding strand, the complement: BRIP1 is on the minus strand). VCF-style: chr17-61776549-G-A. GRCh37 (hg19) VCF-style: chr17-59853910-G-A.
Other names: c.1949C>T (NM_032043.2); short protein forms T650I.
Identifiers: ClinVar variation 1060847 (VCV001060847.11), dbSNP rs2077537888, ClinGen allele CA400478604.